The following is an entry in ClinVar:

NM_024426.6(WT1):c.658C>A (p.Gln220Lys)

Genes: WT1 (WT1 transcription factor; minus strand), LOC107982234 (WT1/WT1-AS bi-directional promoter region; plus strand). Cytogenetic location: 11p13.
Variant type: single nucleotide variant.
Coding change: c.658C>A on transcript NM_024426.6 (MANE Select); coding-DNA position 658, C replaced by A.
Protein change: p.Gln220Lys; replaces glutamine 220 with lysine.
Molecular consequence: missense variant. On other transcripts: non-coding transcript variant (1).
Genome position (GRCh38, 1-based): chr11:32,434,703, G>T on the plus strand (C>A on the coding strand, the complement: WT1 is on the minus strand). VCF-style: chr11-32434703-G-T. GRCh37 (hg19) VCF-style: chr11-32456249-G-T.
Other names: c.658C>A, p.Gln220Lys (NM_000378.6, NM_024424.5); short protein forms Q220K.
Identifiers: ClinVar variation 654381 (VCV000654381.16), dbSNP rs373935628, ClinGen allele CA219510582.

ClinVar aggregate classification (germline): Uncertain significance. Review status: criteria provided, multiple submitters, no conflicts (2 of 4 stars). 6 submissions from 6 submitters: Uncertain significance (6). Last evaluated 2025-07-07.

Conditions:
Drash syndrome (DDS). Also called: WILMS TUMOR AND PSEUDO- OR TRUE HERMAPHRODITISM; NEPHROPATHY, WILMS TUMOR, AND GENITAL ANOMALIES. Identifiers: Orphanet 220, MedGen C0950121, MONDO:0008682, OMIM 194080.
Wilms tumor 1 (WT1). Also called: Wilms tumor, somatic. Identifiers: Orphanet 654, MedGen CN033288, MONDO:0008679, OMIM 194070.
11p partial monosomy syndrome (WAGR). Also called: WAGR Complex; WAGR syndrome; WAGR Spectrum Disorder; CHROMOSOME 11p13 DELETION SYNDROME. Identifiers: Orphanet 893, MedGen C0206115, MONDO:0008681, OMIM 194072.
Frasier syndrome. Identifiers: Orphanet 347, MedGen C0950122, MeSH D052159, MONDO:0007635, OMIM 136680.
Inborn genetic diseases. Identifiers: MedGen C0950123, MeSH D030342.
Meacham syndrome. Also called: Meacham Winn Culler syndrome. Identifiers: Orphanet 3097, MedGen C1837026, MONDO:0012164, OMIM 608978.
Mesothelioma, malignant (MESOM). Also called: Malignant mesothelioma (disease). Identifiers: Orphanet 50251, MedGen C0345967, MONDO:0006292, OMIM 156240, HP:0100001.
Nephrotic syndrome, type 4 (NPHS4). Also called: Familial mesangial sclerosis; Nephrotic syndrome, early onset with diffuse mesangial sclerosis. Identifiers: Orphanet 656, MedGen C3151568, MONDO:0009733, OMIM 256370.
Aniridia 1 (AN1). Identifiers: Orphanet 250923, MedGen C0344542, MONDO:0024507, OMIM 106210.

Allele frequency attached by ClinVar (database versions not stated): gnomAD exomes 0.00001 and 0.00002; ESP Exome Variant Server 0.00008.
gnomAD v4.1: 21 of 1,612,952 alleles (0.0013%); highest among the groups gnomAD compares: Non-Finnish European, 0.0018%; no homozygotes.

Submissions (6):

Labcorp Genetics (formerly Invitae), Labcorp
Classification: Uncertain significance for Wilms tumor 1; Drash syndrome; 11p partial monosomy syndrome; Frasier syndrome. Last evaluated: 2025-07-07. Review status: criteria provided, single submitter. Criteria: Invitae Variant Classification Sherloc (09022015). Collection method: clinical testing. Allele origin: germline.
Comment: This sequence change replaces glutamine, which is neutral and polar, with lysine, which is basic and polar, at codon 215 of the WT1 protein (p.Gln215Lys). This variant is present in population databases (rs373935628, gnomAD 0.002%). This variant has not been reported in the literature in individuals affected with WT1-related conditions. ClinVar contains an entry for this variant (Variation ID: 654381). Invitae Evidence Modeling of protein sequence and biophysical properties (such as structural, functional, and spatial information, amino acid conservation, physicochemical variation, residue mobility, and thermodynamic stability) has been performed for this missense variant. However, the output from this modeling did not meet the statistical confidence thresholds required to predict the impact of this variant on WT1 protein function. In summary, the available evidence is currently insufficient to determine the role of this variant in disease. Therefore, it has been classified as a Variant of Uncertain Significance.

Ambry Genetics
Classification: Uncertain significance for Inborn genetic diseases. Last evaluated: 2025-01-10. Review status: criteria provided, single submitter. Criteria: Ambry Variant Classification Scheme 2023. Collection method: clinical testing. Allele origin: germline.
Comment: The p.Q215K variant (also known as c.643C>A), located in coding exon 1 of the WT1 gene, results from a C to A substitution at nucleotide position 643. The glutamine at codon 215 is replaced by lysine, an amino acid with similar properties. This amino acid position is conserved. In addition, the in silico prediction for this alteration is inconclusive. Based on the available evidence, the clinical significance of this variant remains unclear.

GeneDx
Classification: Uncertain significance. Last evaluated: 2024-02-12. Review status: criteria provided, single submitter. Criteria: GeneDx Variant Classification Process June 2021. Collection method: clinical testing. Allele origin: germline. Affected: yes.
Comment: Not observed at significant frequency in large population cohorts (gnomAD); In silico analysis supports that this missense variant does not alter protein structure/function; Has not been previously published as pathogenic or benign to our knowledge

Baylor Genetics
Classification: Uncertain significance for Drash syndrome. Last evaluated: 2023-09-13. Review status: criteria provided, single submitter. Criteria: ACMG Guidelines, 2015. Collection method: clinical testing. Allele origin: unknown.

All of Us Research Program, National Institutes of Health
Classification: Uncertain significance for Wilms tumor 1. Last evaluated: 2023-08-08. Review status: criteria provided, single submitter. Criteria: ACMG Guidelines, 2015. Collection method: clinical testing. Allele origin: germline. Inheritance: Autosomal dominant inheritance. Observed: 1 variant allele, 1 heterozygote.
Comment: This missense variant replaces glutamine with lysine at codon 215 of the WT1 protein. Computational prediction is inconclusive regarding the impact of this variant on protein structure and function (internally defined REVEL score threshold 0.5 < inconclusive < 0.7, PMID: 27666373). To our knowledge, functional studies have not been reported for this variant. This variant has not been reported in individuals affected with WT1-related disorders in the literature. This variant has been identified in 2/244208 chromosomes in the general population by the Genome Aggregation Database (gnomAD). The available evidence is insufficient to determine the role of this variant in disease conclusively. Therefore, this variant is classified as a Variant of Uncertain Significance.

This study involves interpretation of variants in research participants for the purpose of population health screening. Participant phenotype was not available at the time of variant classification. Additional details can be found in publication PMID: 35346344, PMCID: PMC8962531

Fulgent Genetics
Classification: Uncertain significance for Aniridia 1; Frasier syndrome; Mesothelioma, malignant; Wilms tumor 1; 11p partial monosomy syndrome; Drash syndrome; Nephrotic syndrome, type 4; Meacham syndrome. Last evaluated: 2021-07-08. Review status: criteria provided, single submitter. Criteria: ACMG Guidelines, 2015. Collection method: clinical testing. Allele origin: unknown.